The following is an entry in ClinVar:

NM_016955.4(SEPSECS):c.389-1G>A

Gene: SEPSECS (Sep (O-phosphoserine) tRNA:Sec (selenocysteine) tRNA synthase; minus strand). Cytogenetic location: 4p15.2.
Variant type: single nucleotide variant.
Coding change: c.389-1G>A on transcript NM_016955.4 (MANE Select); the canonical splice acceptor site of the intron before coding-DNA position 389, G replaced by A.
Molecular consequence: splice acceptor variant.
Genome position (GRCh38, 1-based): chr4:25,156,196, C>T on the plus strand (G>A on the coding strand, the complement: SEPSECS is on the minus strand). VCF-style: chr4-25156196-C-T. GRCh37 (hg19) VCF-style: chr4-25157818-C-T.
Other names: c.644-1G>A (NM_001410714.1); c.389-1G>A (NM_016955.3).
Identifiers: ClinVar variation 1066471 (VCV001066471.11), dbSNP rs754373273, ClinGen allele CA2877442.

ClinVar aggregate classification (germline): Likely pathogenic. Review status: criteria provided, multiple submitters, no conflicts (2 of 4 stars). 4 submissions from 4 submitters: Likely pathogenic (4). Last evaluated 2025-12-30.

Conditions:
Pontocerebellar hypoplasia type 2D (PCH2D). Also called: Progressive cerebello-cerebral atrophy. Identifiers: Orphanet 247198, Orphanet 2524, MedGen C3151140, MONDO:0013438, OMIM 613811.

Allele frequency attached by ClinVar (database versions not stated): gnomAD exomes below 0.00001 and 0.00001; ExAC 0.00001; TOPMed 0.00001; gnomAD 0.00002.
gnomAD v4.1: 17 of 1,613,512 alleles (0.0011%); highest among the groups gnomAD compares: Non-Finnish European, 0.0014%; no homozygotes.

Submissions (4):

Myriad Genetics, Inc.
Classification: Likely pathogenic for Pontocerebellar hypoplasia type 2D. Last evaluated: 2025-12-30. Review status: criteria provided, single submitter. Criteria: Myriad Autosomal Dominant, Autosomal Recessive and X-Linked Classification Criteria (2023). Collection method: clinical testing. Allele origin: unknown.
Comment: NM_016955.3(SEPSECS):c.389-1G>A is a variant in a canonical splice site classified as likely pathogenic in the context of pontocerebellar hypoplasia, SEPSECS-related. c.389-1G>A has not been observed in cases with relevant disease. Relevant functional assessments of this variant are not available in the literature. Internal structural analysis of the variant is supportive of pathogenicity. c.389-1G>A has not been observed in referenced population frequency databases. In summary, NM_016955.3(SEPSECS):c.389-1G>A is a variant in a canonical splice site in a gene where loss of function is a known mechanism of disease and is predicted to disrupt protein function. Please note: this variant was assessed in the context of healthy population screening.

Natera, Inc.
Classification: Likely pathogenic for Pontocerebellar hypoplasia type 2d. Last evaluated: 2024-04-29. Review status: criteria provided, single submitter. Criteria: Natera Variant Classification Schema (03/2026). Collection method: clinical testing. Allele origin: germline.
Comment: The c.389-1G>A variant in SEPSECS is a canonical splice acceptor site variant predicted to affect pre-mRNA splicing, which may result in an abnormal transcript and altered protein product. This variant is expected to result in nonsense mediated decay, truncation, or a dysfunctional protein product. This variant is rare in the general population with a frequency below the threshold expected for the associated phenotype(s). Given the available evidence, this variant is classified as Likely Pathogenic.

Labcorp Genetics (formerly Invitae), Labcorp
Classification: Likely pathogenic. Last evaluated: 2023-06-04. Review status: criteria provided, single submitter. Criteria: Invitae Variant Classification Sherloc (09022015). Collection method: clinical testing. Allele origin: germline.
Comment: Algorithms developed to predict the effect of sequence changes on RNA splicing suggest that this variant may disrupt the consensus splice site. In summary, the currently available evidence indicates that the variant is pathogenic, but additional data are needed to prove that conclusively. Therefore, this variant has been classified as Likely Pathogenic. ClinVar contains an entry for this variant (Variation ID: 1066471). This variant has not been reported in the literature in individuals affected with SEPSECS-related conditions. This variant is present in population databases (rs754373273, gnomAD 0.0009%). This sequence change affects an acceptor splice site in intron 3 of the SEPSECS gene. It is expected to disrupt RNA splicing. Variants that disrupt the donor or acceptor splice site typically lead to a loss of protein function (PMID: 16199547), and loss-of-function variants in SEPSECS are known to be pathogenic (PMID: 25558065, 25590979, 26115735).

Fulgent Genetics
Classification: Likely pathogenic for Pontocerebellar hypoplasia type 2D. Last evaluated: 2022-05-09. Review status: criteria provided, single submitter. Criteria: ACMG Guidelines, 2015. Collection method: clinical testing. Allele origin: unknown.

Literature cited by the submitters: PubMed 16199547 (cited by Labcorp Genetics (formerly Invitae), Labcorp); PubMed 25558065 (cited by Labcorp Genetics (formerly Invitae), Labcorp); PubMed 25590979 (cited by Labcorp Genetics (formerly Invitae), Labcorp); PubMed 26115735 (cited by Labcorp Genetics (formerly Invitae), Labcorp).